The following is an entry in ClinVar:

ClinVar aggregate classification (germline): Uncertain significance (1 of 4 stars; one submission).

Conditions:
Familial focal epilepsy with variable foci (FPEVF). Identifiers: Orphanet 98820, MedGen C1858477, MONDO:0020310.

Allele frequency attached by ClinVar (database versions not stated): gnomAD exomes below 0.00001; ExAC 0.00001.
gnomAD v4.1: 1 of 1,614,234 alleles (0.000062%); highest among the groups gnomAD compares: Non-Finnish European, 0.000085%; no homozygotes.

Submission:

Labcorp Genetics (formerly Invitae), Labcorp
Classification: Uncertain significance for Familial focal epilepsy with variable foci. Last evaluated: 2022-04-11. Review status: criteria provided, single submitter. Criteria: Invitae Variant Classification Sherloc (09022015). Collection method: clinical testing. Allele origin: germline.
Comment: In summary, the available evidence is currently insufficient to determine the role of this variant in disease. Therefore, it has been classified as a Variant of Uncertain Significance. Algorithms developed to predict the effect of missense changes on protein structure and function are either unavailable or do not agree on the potential impact of this missense change (SIFT: "Deleterious"; PolyPhen-2: "Not Available"; Align-GVGD: "Class C25"). This sequence change replaces aspartic acid, which is acidic and polar, with tyrosine, which is neutral and polar, at codon 650 of the DEPDC5 protein (p.Asp650Tyr). This variant is present in population databases (rs763484031, gnomAD 0.0009%). This variant has not been reported in the literature in individuals affected with DEPDC5-related conditions.

NM_001242896.3(DEPDC5):c.1948G>T (p.Asp650Tyr)

Gene: DEPDC5 (DEP domain containing 5, GATOR1 subcomplex subunit; plus strand). Cytogenetic location: 22q12.3.
Variant type: single nucleotide variant.
Coding change: c.1948G>T on transcript NM_001242896.3 (MANE Select); coding-DNA position 1948, G replaced by T.
Protein change: p.Asp650Tyr; replaces aspartic acid 650 with tyrosine.
Molecular consequence: missense variant. On other transcripts: non-coding transcript variant (4), intron variant (3).
Genome position (GRCh38, 1-based): chr22:31,821,579, G>T. VCF-style: chr22-31821579-G-T. GRCh37 (hg19) VCF-style: chr22-32217565-G-T.
Other names: c.1948G>T, p.Asp650Tyr (NM_001136029.4, NM_001363852.2, NM_001364318.2 and 3 more transcripts); c.1864G>T, p.Asp622Tyr (NM_001369901.1, NM_001369902.1); c.1870+2354G>T (NM_001363854.2, NM_001242897.2, NM_001364319.2); short protein forms D622Y, D650Y.
Identifiers: ClinVar variation 2179759 (VCV002179759.4), dbSNP rs763484031, ClinGen allele CA10196513.
Genomic context (GRCh38, chr22:31,821,579, plus strand): 5'-ATCCAGATCCACCACCAGACCCGACAGAATATGGCGGAGCTACAAGGCAGCGGGCAGAGG[G>T]ATCCAACTCACTCCTCTGCAGAGCTGCTGGAGTTAGCATATCATGAAGCTGCTGGAAGGT-3'
Protein context (NP_001229825.1, residues 640-660): MAELQGSGQR[Asp650Tyr]PTHSSAELLE